The following is an entry in ClinVar:

NM_000174.5(GP9):c.123C>T (p.His41=)

Gene: GP9 (glycoprotein IX platelet; plus strand). Cytogenetic location: 3q21.3.
Variant type: single nucleotide variant.
Coding change: c.123C>T on transcript NM_000174.5 (MANE Select); coding-DNA position 123, C replaced by T.
Protein change: p.His41=; no amino-acid change (histidine 41 retained).
Molecular consequence: synonymous variant.
Genome position (GRCh38, 1-based): chr3:129,061,862, C>T. VCF-style: chr3-129061862-C-T. GRCh37 (hg19) VCF-style: chr3-128780705-C-T.
Identifiers: ClinVar variation 723429 (VCV000723429.14), dbSNP rs201755437, ClinGen allele CA2602636.

ClinVar aggregate classification (germline): Benign/Likely benign. Review status: criteria provided, multiple submitters, no conflicts (2 of 4 stars). 2 submissions from 2 submitters: Benign (1); Likely benign (1). Last evaluated 2025-10-15.

Conditions:
Bernard Soulier syndrome (BSS). Also called: GLYCOPROTEIN Ib, PLATELET, DEFICIENCY OF; BLEEDING DISORDER, PLATELET-TYPE, 1; Platelet Glycoprotein 1b, Deficiency of; PLATELET GLYCOPROTEIN Ib DEFICIENCY; VON WILLEBRAND FACTOR RECEPTOR DEFICIENCY; Giant platelet syndrome. Identifiers: Orphanet 274, MedGen C0005129, MeSH D001606, MONDO:0009276, OMIM 231200.

Allele frequency attached by ClinVar (database versions not stated): TOPMed 0.00004; gnomAD 0.00005 and 0.00013; gnomAD exomes 0.00027 and 0.00029; 1000 Genomes Project 30x 0.00031; ExAC 0.00034; 1000 Genomes Project 0.00040.
gnomAD v4.1: 425 of 1,612,528 alleles (0.026%); highest among the groups gnomAD compares: East Asian, 0.91%; 3 homozygotes.

Submissions (2):

Labcorp Genetics (formerly Invitae), Labcorp
Classification: Benign. Last evaluated: 2025-10-15. Review status: criteria provided, single submitter. Criteria: Invitae Variant Classification Sherloc (09022015). Collection method: clinical testing. Allele origin: germline.

Illumina Laboratory Services, Illumina
Classification: Likely benign for Bernard Soulier syndrome. Last evaluated: 2018-01-13. Review status: criteria provided, single submitter. Criteria: ICSL Variant Classification Criteria 13 December 2019. Collection method: clinical testing. Allele origin: germline.
Comment: This variant was observed in the ICSL laboratory as part of a predisposition screen in an ostensibly healthy population. It had not been previously curated by ICSL or reported in the Human Gene Mutation Database (HGMD: prior to June 1st, 2018), and was therefore a candidate for classification through an automated scoring system. Utilizing variant allele frequency, disease prevalence and penetrance estimates, and inheritance mode, an automated score was calculated to assess if this variant is too frequent to cause the disease. Based on the score and internal cut-off values, a variant classified as likely benign is not then subjected to further curation. The score for this variant resulted in a classification of likely benign for this disease.